The following is an entry in ClinVar:

ClinVar aggregate classification (germline): Pathogenic. Review status: criteria provided, multiple submitters, no conflicts (2 of 4 stars). 11 submissions from 11 submitters: Pathogenic (9). 2 of the submissions do not count toward it. Last evaluated 2026-03-21.

Conditions:
Inborn genetic diseases. Identifiers: MedGen C0950123, MeSH D030342.
Intellectual disability-facial dysmorphism syndrome due to SETD5 haploinsufficiency (MRD23). Also called: Intellectual developmental disorder, autosomal dominant 23. Identifiers: Orphanet 404440, MedGen C3810406, MONDO:0014336, OMIM 615761.
Intellectual disability. Also called: Intellectual functioning disability; intellectual disabilities; Intellectual developmental disorder. Identifiers: MedGen C3714756, MeSH D008607, MONDO:0001071, HP:0001249.

Submissions (11):

3billion
Classification: Pathogenic for Intellectual disability-facial dysmorphism syndrome due to SETD5 haploinsufficiency. Last evaluated: 2026-03-21. Review status: criteria provided, single submitter. Criteria: ACMG Guidelines, 2015. Collection method: clinical testing. Allele origin: de novo. Inheritance: Autosomal dominant inheritance. Affected: yes.
Comment: The variant is not observed in the gnomAD v3.1.2 dataset. The variant has been confirmed to be de novo in maternity and paternity confirmed samples. Functional studies provide moderate evidence of the variant having a damaging effect on the gene or gene product (PMID: 26482601). The variant has been observed in multiple (>3) similarly affected unrelated individuals (PMID: 26482601, 28881385). The variant has been reported at least twice as pathogenic without evidence for the classification (ClinVar ID: VCV000280376 / PMID: 26482601). Therefore, the variant was classified as pathogenic.

Ambry Genetics
Classification: Pathogenic for Inborn genetic diseases. Last evaluated: 2025-01-13. Review status: criteria provided, single submitter. Criteria: Ambry Variant Classification Scheme 2023. Collection method: clinical testing. Allele origin: germline.
Comment: The c.2347-7A>G intronic alteration results from a A to G substitution 7 nucleotides before coding exon 15 of the SETD5 gene. This variant was not reported in population-based cohorts in the Genome Aggregation Database (gnomAD). This variant was determined to be de novo in at least one individual with features consistent with SETD5-related neurodevelopmental disorder (Kobayashi, 2016; Powis, 2018; Saleh, 2021; Ambry internal data). This nucleotide position is not well conserved in available vertebrate species. One functional study demonstrated that this alteration results in abnormal splicing (Kobayashi, 2016). In silico splice site analysis predicts that this alteration will weaken the native splice acceptor site and will result in the creation or strengthening of a novel splice acceptor site. Based on the available evidence, this alteration is classified as pathogenic.

Dubai Health Genomic Medicine Center, Dubai Health
Classification: Pathogenic for Intellectual developmental disorder. Last evaluated: 2024-10-04. Review status: criteria provided, single submitter. Criteria: ACMG Guidelines, 2015. Collection method: research. Allele origin: germline. Affected: yes.
Comment: PS3,PM2,PM6,PP3

Victorian Clinical Genetics Services, Murdoch Childrens Research Institute
Classification: Pathogenic for Intellectual disability-facial dysmorphism syndrome due to SETD5 haploinsufficiency. Last evaluated: 2024-09-20. Review status: criteria provided, single submitter. Criteria: ACMG Guidelines, 2015. Collection method: clinical testing. Allele origin: germline. Inheritance: Autosomal dominant inheritance. Affected: yes.
Comment: Based on the classification scheme VCGS_Germline_v1.3.4, this variant is classified as Pathogenic. Following criteria are met: 0102 - Loss of function is a known mechanism of disease in this gene and is associated with intellectual developmental disorder, autosomal dominant 23 (MIM#615761). (I) 0107 - This gene is associated with autosomal dominant disease. (I) 0115 - Variants in this gene are known to have variable expressivity. Some mildly affected parents with the same SETD5 variant as their more severely affected children have been reported (PMID: 28881385, 27375234). (I) 0210 - Splice site variant proven to affect splicing of the transcript with a known effect on protein sequence. Published functional studies using RT-PCR and next generation sequencing on a patient-derived lymphoblastoid cell line identified a 6bp insertion within the intronic sequence, introducing a premature stop codon and resulting in subsequent nonsense-mediated mRNA decay (PMID: 26482601). (SP) 0251 - This variant is heterozygous. (I) 0301 - Variant is absent from gnomAD (both v2 and v3). (SP) 0801 - This variant has strong previous evidence of pathogenicity in unrelated individuals. This variant has been reported as pathogenic in at least 11 individuals with SETD5-related features, six of which were confirmed de novo (ClinVar, PMIDs: 26482601, 28881385). (SP) Legend: (SP) - Supporting pathogenic, (I) - Information, (SB) - Supporting benign

Institute for Clinical Genetics, University Hospital TU Dresden, University Hospital TU Dresden
Classification: Pathogenic for Intellectual disability-facial dysmorphism syndrome due to SETD5 haploinsufficiency. Last evaluated: 2023-11-30. Review status: criteria provided, single submitter. Criteria: ACMG Guidelines, 2015. Collection method: clinical testing. Allele origin: de novo. Affected: yes.
Comment: The above-mentioned variant in the SETD5 gene (NM_001080517.3:c.2347-7A>G) leads to a base exchange in the immediate vicinity of the canonical splice acceptor site at the end of intron 16, which results in defective splicing of the mRNA. Bioinformatic prediction algorithms to assess the impact on splicing efficiency estimate the variant as deleterious (SpliceAI score 1) and functional analyses on cDNA confirmed a reading frame shift with termination of translation by a premature stop codon due to activation of a cryptic splice acceptor and partial intron retention. At the protein level, a shortened, probably non-functional or functionally altered protein is formed or the mRNA is prematurely degraded by nonsense mediated mRNA decay (NMD) (PMID: 26482601). This variant has been classified as pathogenic 7 times in the ClinVar database and has been reported de novo in the literature in at least four individuals with variable neurological abnormalities (including epileptic encephalopathy, syndromal developmental disorder) (PMIDs: 26482601, 28881385). The variant has not yet been detected in the population database gnomAD v4.0.0. According to current ACMG recommendations for variant evaluation (PMID 25741868), the criteria PVS1, PS2, PS4_MOD, PM2_SUP are fulfilled, resulting in an evaluation as a pathogenic variant (ACMG class 5).

GeneDx
Classification: Pathogenic. Last evaluated: 2022-04-25. Review status: criteria provided, single submitter. Criteria: GeneDx Variant Classification Process June 2021. Collection method: clinical testing. Allele origin: germline. Affected: yes.
Comment: Published functional studies demonstrate a damaging effect (insertion of a 6-bp intronic sequence causing a premature stop codon and nonsense-mediated mRNA decay) (Kobayashi et al., 2016); Not observed in large population cohorts (gnomAD); In silico analysis supports a deleterious effect on splicing; This variant is associated with the following publications: (PMID: 33490948, 26482601, 28881385)

Genetics Laboratory, UDIAT-Centre Diagnòstic, Hospital Universitari Parc Tauli
Classification: Pathogenic. Last evaluated: 2021-04-26. Review status: criteria provided, single submitter. Criteria: Parc Tauli Hospital Assertion Criteria 2021. Collection method: clinical testing. Allele origin: de novo. Inheritance: Autosomal dominant inheritance. Affected: yes. Observed: 1 heterozygote.
Comment: PVS1_very strong;PS3_strong;PM2_supporting;PM6_moderate;BP4_supporting

New York Genome Center
Classification: Pathogenic for Intellectual disability-facial dysmorphism syndrome due to SETD5 haploinsufficiency. Last evaluated: 2020-06-26. Review status: criteria provided, single submitter. Criteria: NYGC Assertion Criteria 2020. Collection method: clinical testing. Allele origin: de novo. Observed: 1 heterozygote. Study: CSER-NYCKidSeq.
Comment: The de novo heterozygous c.2347-7A>G splice region variant identified in the SETD5 gene has been reported in at least 4 individuals affected with a neurological disorder [PMID: 26482601; PMID:28881385]. Patients' clinical presentations included cognitive delay, growth retardation, autism spectrum disorder, attention deficit hyperactivity disorder, unsteady gait, heart defects, and craniofacial dysmorphism [PMID: 26482601; PMID:28881385]. Analysis of cDNA obtained from a patient derived lymphoblastoid cell lineshowed that this splice region variant introduces premature stop codon and the mutant mRNA is subjected to nonsense mediated decay [PMID: 26482601]. This variant has been reported as Pathogenic in ClinVar database by two independent laboratories [Variation ID:280376]. This variant is absent from gnomAD suggesting it is an extremely rare allele in the populations represented in this database. Based on the available evidence, the de novo c.2347-7A>G splice region variant identified in the SETD5 gene is reported as Pathogenic.

Lifecell International Pvt. Ltd
Classification: Pathogenic for Intellectual disability-facial dysmorphism syndrome due to SETD5 haploinsufficiency. Review status: criteria provided, single submitter. Criteria: ACMG Guidelines, 2015. Collection method: clinical testing. Allele origin: germline. Inheritance: Autosomal dominant inheritance. Affected: yes. Observed: 1 heterozygote.
Comment: A Heterozygous Splice site region variant c.2347-7A>G in Exon 16 of the SETD5 gene that results in the amino acid substitution was identified. The observed variant is novel in gnomAD exomes and genomes, respectively. The severity of the impact of this variant on the protein is high, based on the effect of the protein and REVEL score . Rare Exome Variant Ensemble Learner (REVEL) is an ensembl method for predicting the pathogenicity of missense variants based on a combination of scores from 13 individual tools: MutPred, FATHMM v2.3, VEST 3.0, PolyPhen-2, SIFT, PROVEAN, MutationAssessor, MutationTaster, LRT, GERP++, SiPhy, phyloP, and phastCons. The REVEL score for an individual missense variant can range from 0 to 1, with higher scores reflecting greater likelihood that the variant is disease-causing. ClinVar has also classified this variant as Pathogenic (ClinVar ID: 280376). Published functional studies demonstrate a damaging effect (insertion of a 6-bp intronic sequence causing a premature stop codon and nonsense-mediated mRNA decay). Patients clinical presentations included cognitive delay, growth retardation, autism spectrum disorder, attention deficit hyperactivity disorder, unsteady gait, heart defects, and craniofacial dysmorphism (Kobayashi Y et al., 2016, Powis Z et al., 2018). Based on the above evidence this variant has been classified as Pathogenic according to the ACMG guidelines.

Clinical Genetics DNA and cytogenetics Diagnostics Lab, Erasmus MC, Erasmus Medical Center
Classification: Pathogenic. Review status: no assertion criteria provided. Collection method: clinical testing. Allele origin: germline. Affected: yes. Study: VKGL Data-share Consensus. Not counted in ClinVar's aggregate classification.

Laboratory of Diagnostic Genome Analysis, Leiden University Medical Center (LUMC)
Classification: Pathogenic. Review status: no assertion criteria provided. Collection method: clinical testing. Allele origin: germline. Affected: yes. Study: VKGL Data-share Consensus. Not counted in ClinVar's aggregate classification.

Literature cited by the submitters: PubMed 26482601 (cited by 5 submitters); PubMed 28881385 (cited by 4 submitters); PubMed 34374989 (cited by Ambry Genetics); PubMed 27375234 (cited by Victorian Clinical Genetics Services, Murdoch Childrens Research Institute).

NM_001080517.3(SETD5):c.2347-7A>G

Gene: SETD5 (SET domain containing 5; plus strand). Cytogenetic location: 3p25.3.
Variant type: single nucleotide variant.
Coding change: c.2347-7A>G on transcript NM_001080517.3 (MANE Select); 7 bases into the intron before coding-DNA position 2347, A replaced by G.
Molecular consequence: intron variant.
Genome position (GRCh38, 1-based): chr3:9,453,732, A>G. VCF-style: chr3-9453732-A-G. GRCh37 (hg19) VCF-style: chr3-9495416-A-G.
Other names: c.2053-7A>G (NM_001349451.2, NM_001292043.2).
Identifiers: ClinVar variation 280376 (VCV000280376.20), dbSNP rs886041593, ClinGen allele CA10602908.